The following is an entry in ClinVar:

NM_000170.3(GLDC):c.2684T>C (p.Met895Thr)

Gene: GLDC (glycine decarboxylase; minus strand). Cytogenetic location: 9p24.1.
Variant type: single nucleotide variant.
Coding change: c.2684T>C on transcript NM_000170.3 (MANE Select); coding-DNA position 2684, T replaced by C.
Protein change: p.Met895Thr; replaces methionine 895 with threonine.
Molecular consequence: missense variant.
Genome position (GRCh38, 1-based): chr9:6,536,218, A>G on the plus strand (T>C on the coding strand, the complement: GLDC is on the minus strand). VCF-style: chr9-6536218-A-G. GRCh37 (hg19) VCF-style: chr9-6536218-A-G.
Other names: short protein forms M895T.
Identifiers: ClinVar variation 462879 (VCV000462879.10), dbSNP rs769606225, ClinGen allele CA4980096.
Genomic context (GRCh38, chr9:6,536,218, plus strand): 5'-TCTGCCTTGTCCTCCGACTCAGTGGGCTCCACCATGAGGGTCCCTGCCACAGGCCAGGAC[A>G]TGGTAGGGGCGTGAAATCCTGCAAAGGGAGACAGGAGAACTTGCCTCACTGAAGGTCAGT-3'
Protein context (NP_000161.2, residues 885-905): LQDYGFHAPT[Met895Thr]SWPVAGTLMV

ClinVar aggregate classification (germline): Uncertain significance. Review status: criteria provided, single submitter (1 of 4 stars). 2 submissions from 2 submitters: Uncertain significance (1). 1 of the submissions does not count toward it. Last evaluated 2025-09-24.

Conditions:
Glycine encephalopathy. Also called: Nonketotic hyperglycinemia; Non-ketotic hyperglycinemia. Identifiers: Orphanet 407, MedGen C0751748, MONDO:0011612, HP:0008288.

Allele frequency attached by ClinVar (database versions not stated): gnomAD 0.00001; gnomAD exomes 0.00001 and 0.00005; TOPMed 0.00002; ExAC 0.00005.
gnomAD v4.1: 22 of 1,613,830 alleles (0.0014%); highest among the groups gnomAD compares: Admixed American, 0.032%; no homozygotes.

Submissions (2):

Labcorp Genetics (formerly Invitae), Labcorp
Classification: Uncertain significance for Glycine encephalopathy. Last evaluated: 2025-09-24. Review status: criteria provided, single submitter. Criteria: Invitae Variant Classification Sherloc (09022015). Collection method: clinical testing. Allele origin: germline.
Comment: This sequence change replaces methionine, which is neutral and non-polar, with threonine, which is neutral and polar, at codon 895 of the GLDC protein (p.Met895Thr). This variant is present in population databases (rs769606225, gnomAD 0.03%). This variant has not been reported in the literature in individuals affected with GLDC-related conditions. ClinVar contains an entry for this variant (Variation ID: 462879). Invitae Evidence Modeling of protein sequence and biophysical properties (such as structural, functional, and spatial information, amino acid conservation, physicochemical variation, residue mobility, and thermodynamic stability) has been performed for this missense variant. However, the output from this modeling did not meet the statistical confidence thresholds required to predict the impact of this variant on GLDC protein function. In summary, the available evidence is currently insufficient to determine the role of this variant in disease. Therefore, it has been classified as a Variant of Uncertain Significance.

Natera, Inc.
Classification: Uncertain significance for Non-ketotic hyperglycinemia. Last evaluated: 2019-10-28. Review status: no assertion criteria provided. Collection method: clinical testing. Allele origin: germline. Not counted in ClinVar's aggregate classification.